The following is an entry in ClinVar:

ClinVar aggregate classification (germline): Uncertain significance (1 of 4 stars; one submission).

Submission:

GeneDx
Classification: Uncertain significance. Last evaluated: 2023-05-18. Review status: criteria provided, single submitter. Criteria: GeneDx Variant Classification Process June 2021. Collection method: clinical testing. Allele origin: germline. Affected: yes.
Comment: Not observed at significant frequency in large population cohorts (gnomAD); In silico analysis supports that this missense variant has a deleterious effect on protein structure/function; Has not been previously published as pathogenic or benign to our knowledge; In silico analysis is inconclusive as to whether the variant alters gene splicing. In the absence of RNA/functional studies, the actual effect of this sequence change is unknown.

NM_001039348.3(EFEMP1):c.744C>A (p.Asn248Lys)

Gene: EFEMP1 (EGF containing fibulin extracellular matrix protein 1; minus strand). Cytogenetic location: 2p16.1.
Variant type: single nucleotide variant.
Coding change: c.744C>A on transcript NM_001039348.3 (MANE Select); coding-DNA position 744, C replaced by A.
Protein change: p.Asn248Lys; replaces asparagine 248 with lysine.
Molecular consequence: missense variant.
Genome position (GRCh38, 1-based): chr2:55,877,762, G>T on the plus strand (C>A on the coding strand, the complement: EFEMP1 is on the minus strand). VCF-style: chr2-55877762-G-T. GRCh37 (hg19) VCF-style: chr2-56104897-G-T.
Other names: c.744C>A, p.Asn248Lys (NM_001039349.3); short protein forms N248K.
Identifiers: ClinVar variation 3343531 (VCV003343531.1).